The following is an entry in ClinVar:

ClinVar aggregate classification (germline): Benign/Likely benign. Review status: criteria provided, multiple submitters, no conflicts (2 of 4 stars). 4 submissions from 4 submitters: Benign (1); Likely benign (2). 1 of the submissions does not count toward it. Last evaluated 2026-01-31.

Conditions:
OBSL1-related disorder. Also called: OBSL1-related condition.
3M syndrome 2. Also called: 3-M Syndrome, OBSL1-Related; THREE M SYNDROME 2. Identifiers: Orphanet 2616, MedGen C2752041, MONDO:0013039, OMIM 612921.

Allele frequency attached by ClinVar (database versions not stated): gnomAD exomes 0.00025 and 0.00077; gnomAD 0.00026 and 0.00033; TOPMed 0.00036; ExAC 0.00073; 1000 Genomes Project 30x 0.00078; 1000 Genomes Project 0.00100.
gnomAD v4.1: 427 of 1,613,022 alleles (0.026%); highest among the groups gnomAD compares: East Asian, 0.87%; 2 homozygotes.

Submissions (4):

Labcorp Genetics (formerly Invitae), Labcorp
Classification: Benign. Last evaluated: 2026-01-31. Review status: criteria provided, single submitter. Criteria: Invitae Variant Classification Sherloc (09022015). Collection method: clinical testing. Allele origin: germline.

Blueprint Genetics
Classification: Likely benign. Last evaluated: 2023-09-18. Review status: criteria provided, single submitter. Criteria: ACMG Guidelines, 2015. Collection method: clinical testing. Allele origin: germline.

Illumina Laboratory Services, Illumina
Classification: Likely benign for 3M syndrome 2. Last evaluated: 2018-01-13. Review status: criteria provided, single submitter. Criteria: ICSL Variant Classification Criteria 13 December 2019. Collection method: clinical testing. Allele origin: germline.
Comment: This variant was observed in the ICSL laboratory as part of a predisposition screen in an ostensibly healthy population. It had not been previously curated by ICSL or reported in the Human Gene Mutation Database (HGMD: prior to June 1st, 2018), and was therefore a candidate for classification through an automated scoring system. Utilizing variant allele frequency, disease prevalence and penetrance estimates, and inheritance mode, an automated score was calculated to assess if this variant is too frequent to cause the disease. Based on the score and internal cut-off values, a variant classified as likely benign is not then subjected to further curation. The score for this variant resulted in a classification of likely benign for this disease.

PreventionGenetics, part of Exact Sciences
Classification: Benign for OBSL1-related condition. Last evaluated: 2019-05-15. Review status: no assertion criteria provided. Collection method: clinical testing. Allele origin: germline. Not counted in ClinVar's aggregate classification.
Comment: This variant is classified as benign based on ACMG/AMP sequence variant interpretation guidelines (Richards et al. 2015 PMID: 25741868, with internal and published modifications).

NM_015311.3(OBSL1):c.851G>A (p.Arg284His)

Gene: OBSL1 (obscurin like cytoskeletal adaptor 1; minus strand). Cytogenetic location: 2q35.
Variant type: single nucleotide variant.
Coding change: c.851G>A on transcript NM_015311.3 (MANE Select); coding-DNA position 851, G replaced by A.
Protein change: p.Arg284His; replaces arginine 284 with histidine.
Molecular consequence: missense variant.
Genome position (GRCh38, 1-based): chr2:219,570,382, C>T on the plus strand (G>A on the coding strand, the complement: OBSL1 is on the minus strand). VCF-style: chr2-219570382-C-T. GRCh37 (hg19) VCF-style: chr2-220435104-C-T.
Other names: c.851G>A, p.Arg284His (NM_001173408.2, NM_001173431.2); short protein forms R284H.
Identifiers: ClinVar variation 334529 (VCV000334529.16), dbSNP rs200780633, ClinGen allele CA2131715.
Genomic context (GRCh38, chr2:219,570,382, plus strand): 5'-AGCACGAAGCCGCCGTCGCGGTCGCGGTACATGAGGCGGCGGCGGTCCGGGAGCAGCGGG[C>T]GGCCCTCCCAGTGCCATTCGATCTCGGGCTCGGGCTTGCCCATCACGTAGCAGCGGAACT-3'
Protein context (NP_056126.1, residues 274-294): EPEIEWHWEG[Arg284His]PLLPDRRRLM